The following is an entry in ClinVar:

ClinVar aggregate classification (germline): Uncertain significance (1 of 4 stars; one submission).

Allele frequency attached by ClinVar (database versions not stated): gnomAD exomes below 0.00001.

Submission:

GeneDx
Classification: Uncertain significance. Last evaluated: 2017-03-07. Review status: criteria provided, single submitter. Criteria: GeneDx Variant Classification (06012015). Collection method: clinical testing. Allele origin: germline. Affected: yes.
Comment: The C2Y variant in the WDR36 gene has not been reported previously as a pathogenic variant, nor as a benign variant, to our knowledge. The C2Y variant is not observed in large population cohorts (Lek et al., 2016; 1000 Genomes Consortium et al., 2015; Exome Variant Server). The C2Y variant is a non-conservative amino acid substitution, which is likely to impact secondary protein structure as these residues differ in polarity, charge, size and/or other properties. This substitution occurs at a position that is not conserved. In silico analysis is inconsistent in its predictions as to whether or not the variant is damaging to the protein structure/function. We interpret C2Y as a variant of uncertain significance.

NM_139281.2(WDR36):c.5G>A (p.Cys2Tyr)

Genes: WDR36 (WD repeat domain 36; plus strand), LOC129994346 (ATAC-STARR-seq lymphoblastoid active region 22888; plus strand). Cytogenetic location: 5q22.1.
Variant type: single nucleotide variant.
Coding change: c.5G>A on transcript NM_139281.2; coding-DNA position 5, G replaced by A.
Protein change: p.Cys2Tyr; replaces cysteine 2 with tyrosine.
Genome position (GRCh38, 1-based): chr5:111,092,293, G>A. VCF-style: chr5-111092293-G-A. GRCh37 (hg19) VCF-style: chr5-110427991-G-A.
Identifiers: ClinVar variation 424172 (VCV000424172.4), dbSNP rs1064796838, ClinGen allele CA16618061.
Genomic context (GRCh38, chr5:111,092,293, plus strand): 5'-CTTGGCCCTCGGAACCCAAGTCACGCCTCCCATGTGAGCTCTGGAGGGAGAACTTTATGT[G>A]TTGCACTGAGGGCAGTCTCCGGAAACGCGATTCGCAGCGGGCGCCGGAAGCGGTGTTGTG-3'